The following is an entry in ClinVar:

ClinVar aggregate classification (germline): Uncertain significance. Review status: criteria provided, multiple submitters, no conflicts (2 of 4 stars). 2 submissions from 2 submitters: Uncertain significance (2). Last evaluated 2025-06-09.

Allele frequency attached by ClinVar (database versions not stated): TOPMed below 0.00001; gnomAD 0.00001.
gnomAD v4.1: 4 of 1,613,886 alleles (0.00025%); highest among the groups gnomAD compares: African/African-American, 0.0013%; no homozygotes.

Submissions (2):

Ambry Genetics
Classification: Uncertain significance. Last evaluated: 2025-06-09. Review status: criteria provided, single submitter. Criteria: Ambry Variant Classification Scheme 2023. Collection method: clinical testing. Allele origin: germline.

Labcorp Genetics (formerly Invitae), Labcorp
Classification: Uncertain significance. Last evaluated: 2022-07-19. Review status: criteria provided, single submitter. Criteria: Invitae Variant Classification Sherloc (09022015). Collection method: clinical testing. Allele origin: germline.
Comment: This sequence change replaces serine, which is neutral and polar, with threonine, which is neutral and polar, at codon 704 of the SUCO protein (p.Ser704Thr). In summary, the available evidence is currently insufficient to determine the role of this variant in disease. Therefore, it has been classified as a Variant of Uncertain Significance. Algorithms developed to predict the effect of missense changes on protein structure and function (SIFT, PolyPhen-2, Align-GVGD) all suggest that this variant is likely to be tolerated. ClinVar contains an entry for this variant (Variation ID: 1411465). This variant has not been reported in the literature in individuals affected with SUCO-related conditions. This variant is present in population databases (no rsID available, gnomAD 0.01%).

NM_014283.5(SUCO):c.2111G>C (p.Ser704Thr)

Gene: SUCO (SUN domain containing ossification factor; plus strand). Cytogenetic location: 1q24.3.
Variant type: single nucleotide variant.
Coding change: c.2111G>C on transcript NM_014283.5 (MANE Select); coding-DNA position 2111, G replaced by C.
Protein change: p.Ser704Thr; replaces serine 704 with threonine.
Molecular consequence: missense variant. On other transcripts: intron variant (1).
Genome position (GRCh38, 1-based): chr1:172,589,212, G>C. VCF-style: chr1-172589212-G-C. GRCh37 (hg19) VCF-style: chr1-172558352-G-C.
Other names: c.2111G>C (NM_014283.3); c.422G>C, p.Ser141Thr (NM_001282751.2); c.2564G>C, p.Ser855Thr (NM_016227.4); c.1712+288G>C (NM_001282750.2); short protein forms S141T, S855T, S704T.
Identifiers: ClinVar variation 1411465 (VCV001411465.9), dbSNP rs1034505019, ClinGen allele CA32732638.
Genomic context (GRCh38, chr1:172,589,212, plus strand): 5'-AATTGGAAAATACGAATATAGAAAGGGAAGCTGAAACTGTTGTTCTGGGTGATTTAAGTA[G>C]TAGTATGCACCAGGATGACTTGGTGAATCACACTGTAGATGCAGTTGAACTTGAACCAAG-3'
Protein context (NP_055098.1, residues 694-714): AETVVLGDLS[Ser704Thr]SMHQDDLVNH